The following is an entry in ClinVar:

ClinVar aggregate classification (germline): Likely pathogenic (1 of 4 stars; one submission).

Conditions:
Polycystic kidney disease 9, susceptibility to. Identifiers: MedGen C6012712, MONDO:0976267, OMIM 621164.
Cranioectodermal dysplasia 5. Identifiers: MedGen C6011237, MONDO:0976269, OMIM 621180.
Saldino-Mainzer syndrome (SRTD9). Also called: short-rib thoracic dysplasia 9 with or without polydactyly; Renal dysplasia, retinal pigmentary dystrophy, cerebellar ataxia and skeletal dysplasia; CONORENAL SYNDROME; SHORT-RIB THORACIC DYSPLASIA 9 WITHOUT POLYDACTYLY. Identifiers: Orphanet 140969, MedGen C1849437, MONDO:0009964, OMIM 266920.
Retinitis pigmentosa 80 (RP80). Identifiers: MedGen C4540439, MONDO:0054708, OMIM 617781.

Submission:

Juno Genomics, Hangzhou Juno Genomics, Inc
Classification: Likely pathogenic for Polycystic kidney disease 9, susceptibility to; Cranioectodermal dysplasia 5; Retinitis pigmentosa 80; Saldino-Mainzer syndrome. Review status: criteria provided, single submitter. Criteria: ACMG Guidelines, 2015. Collection method: clinical testing. Allele origin: germline.
Comment: Absent from controls (or at extremely low frequency if recessive) in Genome Aggregation Database.;Null variant in a gene where loss of function (LOF) is a known mechanism of disease.

NM_014714.4(IFT140):c.2855_2862del (p.Met952fs)

Genes: IFT140 (intraflagellar transport 140; minus strand), LOC126862260 (CDK7 strongly-dependent group 2 enhancer GRCh37_chr16:1574508-1575707; plus strand). Cytogenetic location: 16p13.3.
Variant type: Deletion.
Coding change: c.2855_2862del on transcript NM_014714.4 (MANE Select); coding-DNA positions 2855 to 2862, 8 bases deleted (TGAAGGAT; older notation c.2855_2862delTGAAGGAT).
Protein change: p.Met952fs; shifts the reading frame from methionine 952.
Molecular consequence: frameshift variant.
Genome position (GRCh38, 1-based): chr16:1,525,233-1,525,240, ATCCTTCA deleted on the plus strand (TGAAGGAT on the coding strand, the reverse complement: IFT140 is on the minus strand). VCF-style (leftmost placement, unchanged base first): chr16-1525232-TATCCTTCA-T. GRCh37 (hg19) VCF-style: chr16-1575233-TATCCTTCA-T.
Other names: short protein forms M952fs.
Identifiers: ClinVar variation 5019774 (VCV005019774.2).